The following is an entry in ClinVar:

ClinVar aggregate classification (germline): Uncertain significance. Review status: criteria provided, multiple submitters, no conflicts (2 of 4 stars). 2 submissions from 2 submitters: Uncertain significance (2). Last evaluated 2024-08-05.

Allele frequency attached by ClinVar (database versions not stated): TOPMed 0.00001; ExAC 0.00002; gnomAD 0.00002.

Submissions (2):

Labcorp Genetics (formerly Invitae), Labcorp
Classification: Uncertain significance. Last evaluated: 2024-08-05. Review status: criteria provided, single submitter. Criteria: Invitae Variant Classification Sherloc (09022015). Collection method: clinical testing. Allele origin: germline.
Comment: This sequence change replaces arginine, which is basic and polar, with cysteine, which is neutral and slightly polar, at codon 134 of the P3H2 protein (p.Arg134Cys). The frequency data for this variant in the population databases is considered unreliable, as metrics indicate poor data quality at this position in the gnomAD database. This variant has not been reported in the literature in individuals affected with P3H2-related conditions. ClinVar contains an entry for this variant (Variation ID: 1058644). An algorithm developed to predict the effect of missense changes on protein structure and function (PolyPhen-2) suggests that this variant is likely to be disruptive. In summary, the available evidence is currently insufficient to determine the role of this variant in disease. Therefore, it has been classified as a Variant of Uncertain Significance.

Blueprint Genetics
Classification: Uncertain significance. Last evaluated: 2021-11-13. Review status: criteria provided, single submitter. Criteria: ACMG Guidelines, 2015. Collection method: clinical testing. Allele origin: germline.

NM_018192.4(P3H2):c.400C>T (p.Arg134Cys)

Gene: P3H2 (prolyl 3-hydroxylase 2; minus strand). Cytogenetic location: 3q28.
Variant type: single nucleotide variant.
Coding change: c.400C>T on transcript NM_018192.4 (MANE Select); coding-DNA position 400, C replaced by T.
Protein change: p.Arg134Cys; replaces arginine 134 with cysteine.
Molecular consequence: missense variant. On other transcripts: intron variant (1).
Genome position (GRCh38, 1-based): chr3:190,120,332, G>A on the plus strand (C>T on the coding strand, the complement: P3H2 is on the minus strand). VCF-style: chr3-190120332-G-A. GRCh37 (hg19) VCF-style: chr3-189838121-G-A.
Other names: c.-64+1871C>T (NM_001134418.2); short protein forms R134C.
Identifiers: ClinVar variation 1058644 (VCV001058644.5), dbSNP rs780526119, ClinGen allele CA2753378.